The following is an entry in ClinVar:

ClinVar aggregate classification (germline): Uncertain significance. Review status: criteria provided, multiple submitters, no conflicts (2 of 4 stars). 2 submissions from 2 submitters: Uncertain significance (2). Last evaluated 2025-12-10.

Conditions:
Autosomal recessive limb-girdle muscular dystrophy type 2J (LGMDR10). Also called: Limb-girdle muscular dystrophy, type 2J; MUSCULAR DYSTROPHY, LIMB-GIRDLE, AUTOSOMAL RECESSIVE 10. Identifiers: Orphanet 140922, MedGen C1837342, MONDO:0012127, OMIM 608807.
Dilated cardiomyopathy 1G (CMD1G). Identifiers: Orphanet 154, MedGen C1858763, MONDO:0011400, OMIM 604145.
Cardiovascular phenotype. Identifiers: MedGen CN230736.

Allele frequency attached by ClinVar (database versions not stated): gnomAD exomes 0.00001; TOPMed 0.00003.
gnomAD v4.1: 4 of 1,613,830 alleles (0.00025%); highest among the groups gnomAD compares: Admixed American, 0.0067%; no homozygotes.

Submissions (2):

Labcorp Genetics (formerly Invitae), Labcorp
Classification: Uncertain significance for Dilated cardiomyopathy 1G; Autosomal recessive limb-girdle muscular dystrophy type 2J. Last evaluated: 2025-12-10. Review status: criteria provided, single submitter. Criteria: Invitae Variant Classification Sherloc (09022015). Collection method: clinical testing. Allele origin: germline.
Comment: This sequence change falls in intron 26 of the TTN gene. It does not directly change the encoded amino acid sequence of the TTN protein. This variant is present in population databases (no rsID available, gnomAD 0.009%). This variant has not been reported in the literature in individuals affected with TTN-related conditions. ClinVar contains an entry for this variant (Variation ID: 467177). Algorithms developed to predict the effect of sequence changes on RNA splicing suggest that this variant may disrupt the consensus splice site. This variant is located in the Z band of TTN (PMID: 25589632). Non-truncating variants in this region may be clinically relevant, but have not been definitively shown to cause cardiomyopathy or neuromuscular disease (PMID: 27493940, 32778822). In summary, the available evidence is currently insufficient to determine the role of this variant in disease. Therefore, it has been classified as a Variant of Uncertain Significance.

Ambry Genetics
Classification: Uncertain significance for Cardiovascular phenotype. Last evaluated: 2023-08-16. Review status: criteria provided, single submitter. Criteria: Ambry Variant Classification Scheme 2023. Collection method: clinical testing. Allele origin: germline.
Comment: The c.4508-5T>A intronic variant results from a T to A substitution 5 nucleotides upstream from coding exon 25 in the TTN gene. This nucleotide position is highly conserved in available vertebrate species. In silico splice site analysis predicts that this alteration will not have any significant effect on splicing. Since supporting evidence is limited at this time, the clinical significance of this alteration remains unclear.

Literature cited by the submitters: PubMed 25589632 (cited by Labcorp Genetics (formerly Invitae), Labcorp); PubMed 27493940 (cited by Labcorp Genetics (formerly Invitae), Labcorp); PubMed 32778822 (cited by Labcorp Genetics (formerly Invitae), Labcorp).

NM_001267550.2(TTN):c.4646-5T>A

Genes: TTN (titin; minus strand), LOC101927055 (uncharacterized LOC101927055; plus strand). Cytogenetic location: 2q31.2.
Variant type: single nucleotide variant.
Coding change: c.4646-5T>A on transcript NM_001267550.2 (MANE Select); 5 bases into the intron before coding-DNA position 4646, T replaced by A.
Molecular consequence: intron variant. On other transcripts: non-coding transcript variant (1).
Genome position (GRCh38, 1-based): chr2:178,777,322, A>T on the plus strand (T>A on the coding strand, the complement: TTN is on the minus strand). VCF-style: chr2-178777322-A-T. GRCh37 (hg19) VCF-style: chr2-179642049-A-T.
Other names: c.4508-5T>A (NM_003319.4, NM_133437.4, NM_133432.3); c.4646-5T>A (NM_133378.4, NM_001256850.1, NM_133379.5).
Identifiers: ClinVar variation 467177 (VCV000467177.11), dbSNP rs750400475, ClinGen allele CA430281129.